The following is an entry in ClinVar:

NM_015378.4(VPS13D):c.12116A>G (p.Tyr4039Cys)

Gene: VPS13D (vacuolar protein sorting 13 homolog D; plus strand). Cytogenetic location: 1p36.22.
Variant type: single nucleotide variant.
Coding change: c.12116A>G on transcript NM_015378.4 (MANE Select); coding-DNA position 12116, A replaced by G.
Protein change: p.Tyr4039Cys; replaces tyrosine 4039 with cysteine.
Molecular consequence: missense variant.
Genome position (GRCh38, 1-based): chr1:12,415,172, A>G. VCF-style: chr1-12415172-A-G. GRCh37 (hg19) VCF-style: chr1-12475225-A-G.
Other names: c.12041A>G, p.Tyr4014Cys (NM_018156.4); c.12116A>G (NM_015378.2); short protein forms Y4014C, Y4039C.
Identifiers: ClinVar variation 2054142 (VCV002054142.2), dbSNP rs150311847, ClinGen allele CA604130.
Genomic context (GRCh38, chr1:12,415,172, plus strand): 5'-CTTTGATACGGTTTGAAGACGCTGTGATTAATCTAGATCCATTCACTCGGGTACATCCCT[A>G]TGAGACCAAGGAGTTCATCATCAATGATATCCTCAAACATTTCCAGGAGGTGAGGCTTGG-3'
Protein context (NP_056193.2, residues 4029-4049): NLDPFTRVHP[Tyr4039Cys]ETKEFIINDI

ClinVar aggregate classification (germline): Uncertain significance. Review status: criteria provided, multiple submitters, no conflicts (2 of 4 stars). 2 submissions from 2 submitters: Uncertain significance (2). Last evaluated 2025-11-05.

Conditions:
Inborn genetic diseases. Identifiers: MedGen C0950123, MeSH D030342.

Allele frequency attached by ClinVar (database versions not stated): gnomAD 0.00001; ESP Exome Variant Server 0.00008; TOPMed 0.00003; ExAC 0.00001; gnomAD exomes 0.00006.
gnomAD v4.1: 87 of 1,614,038 alleles (0.0054%); highest among the groups gnomAD compares: Non-Finnish European, 0.0067%; no homozygotes.

Submissions (2):

Ambry Genetics
Classification: Uncertain significance for Inborn genetic diseases. Last evaluated: 2025-11-05. Review status: criteria provided, single submitter. Criteria: Ambry Variant Classification Scheme 2023. Collection method: clinical testing. Allele origin: germline.

Labcorp Genetics (formerly Invitae), Labcorp
Classification: Uncertain significance. Last evaluated: 2022-08-02. Review status: criteria provided, single submitter. Criteria: Invitae Variant Classification Sherloc (09022015). Collection method: clinical testing. Allele origin: germline.
Comment: This sequence change replaces tyrosine, which is neutral and polar, with cysteine, which is neutral and slightly polar, at codon 4039 of the VPS13D protein (p.Tyr4039Cys). This variant is present in population databases (rs150311847, gnomAD 0.006%). This variant has not been reported in the literature in individuals affected with VPS13D-related conditions. Algorithms developed to predict the effect of missense changes on protein structure and function are either unavailable or do not agree on the potential impact of this missense change (SIFT: "Deleterious"; PolyPhen-2: "Probably Damaging"; Align-GVGD: "Class C0"). In summary, the available evidence is currently insufficient to determine the role of this variant in disease. Therefore, it has been classified as a Variant of Uncertain Significance.